The following is an entry in ClinVar:

NM_000553.6(WRN):c.2425A>G (p.Arg809Gly)

Gene: WRN (WRN RecQ like helicase; plus strand). Cytogenetic location: 8p12.
Variant type: single nucleotide variant.
Coding change: c.2425A>G on transcript NM_000553.6 (MANE Select); coding-DNA position 2425, A replaced by G.
Protein change: p.Arg809Gly; replaces arginine 809 with glycine.
Molecular consequence: missense variant.
Genome position (GRCh38, 1-based): chr8:31,116,505, A>G. VCF-style: chr8-31116505-A-G. GRCh37 (hg19) VCF-style: chr8-30974021-A-G.
Other names: short protein forms R809G.
Identifiers: ClinVar variation 1505939 (VCV001505939.8), dbSNP rs2130306139, ClinGen allele CA370914014.

ClinVar aggregate classification (germline): Uncertain significance (1 of 4 stars; one submission).

Conditions:
Werner syndrome (WRN). Identifiers: Orphanet 902, MedGen C0043119, MONDO:0010196, OMIM 277700.

gnomAD v4.1: 1 of 1,613,978 alleles (0.000062%); no homozygotes.

Submission:

Labcorp Genetics (formerly Invitae), Labcorp
Classification: Uncertain significance for Werner syndrome. Last evaluated: 2021-07-17. Review status: criteria provided, single submitter. Criteria: Invitae Variant Classification Sherloc (09022015). Collection method: clinical testing. Allele origin: germline.
Comment: In summary, the available evidence is currently insufficient to determine the role of this variant in disease. Therefore, it has been classified as a Variant of Uncertain Significance. Algorithms developed to predict the effect of missense changes on protein structure and function are either unavailable or do not agree on the potential impact of this missense change (SIFT: "Not Available"; PolyPhen-2: "Possibly Damaging"; Align-GVGD: "Not Available"). This variant has not been reported in the literature in individuals affected with WRN-related conditions. This variant is not present in population databases (ExAC no frequency). This sequence change replaces arginine with glycine at codon 809 of the WRN protein (p.Arg809Gly). The arginine residue is moderately conserved and there is a moderate physicochemical difference between arginine and glycine.